The following is an entry in ClinVar:

ClinVar aggregate classification (germline): Uncertain significance. Review status: criteria provided, multiple submitters, no conflicts (2 of 4 stars). 2 submissions from 2 submitters: Uncertain significance (2). Last evaluated 2026-01-26.

Allele frequency attached by ClinVar (database versions not stated): ExAC 0.00001; gnomAD 0.00001; gnomAD exomes 0.00003.
gnomAD v4.1: 39 of 1,613,576 alleles (0.0024%); highest among the groups gnomAD compares: Non-Finnish European, 0.0031%; no homozygotes.

Submissions (2):

Labcorp Genetics (formerly Invitae), Labcorp
Classification: Uncertain significance. Last evaluated: 2026-01-26. Review status: criteria provided, single submitter. Criteria: Invitae Variant Classification Sherloc (09022015). Collection method: clinical testing. Allele origin: germline.
Comment: This sequence change replaces threonine, which is neutral and polar, with isoleucine, which is neutral and non-polar, at codon 343 of the A2ML1 protein (p.Thr343Ile). This variant is present in population databases (rs773440069, gnomAD 0.0009%). This variant has not been reported in the literature in individuals affected with A2ML1-related conditions. ClinVar contains an entry for this variant (Variation ID: 1770100). An algorithm developed to predict the effect of missense changes on protein structure and function outputs the following: PolyPhen-2: "Benign". The isoleucine amino acid residue is found in multiple mammalian species, which suggests that this missense change does not adversely affect protein function. In summary, the available evidence is currently insufficient to determine the role of this variant in disease. Therefore, it has been classified as a Variant of Uncertain Significance.

Ambry Genetics
Classification: Uncertain significance. Last evaluated: 2021-09-07. Review status: criteria provided, single submitter. Criteria: Ambry Variant Classification Scheme 2023. Collection method: clinical testing. Allele origin: germline.
Comment: The p.T343I variant (also known as c.1028C>T), located in coding exon 10 of the A2ML1 gene, results from a C to T substitution at nucleotide position 1028. The threonine at codon 343 is replaced by isoleucine, an amino acid with similar properties. This amino acid position is conserved. In addition, this alteration is predicted to be tolerated by in silico analysis. Since supporting evidence is limited at this time, the clinical significance of this alteration remains unclear.

NM_144670.6(A2ML1):c.1028C>T (p.Thr343Ile)

Gene: A2ML1 (alpha-2-macroglobulin like 1; plus strand). Cytogenetic location: 12p13.31.
Variant type: single nucleotide variant.
Coding change: c.1028C>T on transcript NM_144670.6 (MANE Select); coding-DNA position 1028, C replaced by T.
Protein change: p.Thr343Ile; replaces threonine 343 with isoleucine.
Molecular consequence: missense variant.
Genome position (GRCh38, 1-based): chr12:8,839,170, C>T. VCF-style: chr12-8839170-C-T. GRCh37 (hg19) VCF-style: chr12-8991766-C-T.
Other names: short protein forms T343I.
Identifiers: ClinVar variation 1770100 (VCV001770100.3), dbSNP rs773440069, ClinGen allele CA6435516.
Genomic context (GRCh38, chr12:8,839,170, plus strand): 5'-CAGGTGTGGAGGCCAATGCCACTCAGAATATCTACATTTCTCCACAAATGGGATCAATGA[C>T]CTTTGAAGACACCAGCAATTTTTACCATCCAAATTTCCCCTTCAGTGGGAAGGTATGTTA-3'
Protein context (NP_653271.3, residues 333-353): IYISPQMGSM[Thr343Ile]FEDTSNFYHP